The following is an entry in ClinVar:

NM_006269.2(RP1):c.5423T>C (p.Leu1808Pro)

Genes: RP1 (RP1 axonemal microtubule associated; plus strand), LOC126860392 (CDK7 strongly-dependent group 2 enhancer GRCh37_chr8:55541319-55542518; plus strand). Cytogenetic location: 8q12.1.
Variant type: single nucleotide variant.
Coding change: c.5423T>C on transcript NM_006269.2 (MANE Select); coding-DNA position 5423, T replaced by C.
Protein change: p.Leu1808Pro; replaces leucine 1808 with proline.
Molecular consequence: missense variant. On other transcripts: intron variant (1).
Genome position (GRCh38, 1-based): chr8:54,629,305, T>C. VCF-style: chr8-54629305-T-C. GRCh37 (hg19) VCF-style: chr8-55541865-T-C.
Other names: c.787+7017T>C (NM_001375654.1); short protein forms L1808P.
Identifiers: ClinVar variation 1449975 (VCV001449975.6), dbSNP rs371969576, ClinGen allele CA4752070.
Genomic context (GRCh38, chr8:54,629,305, plus strand): 5'-TTGGTAATTTGGCCCCAGGCCCAACGATGGATGAACTCTCCTCTTCAGAACTCGAGGAAC[T>C]GACTCAACCCCTTGAACTAAAATGCAATTACTTTAACATGCCTCATGGTAGTGACTCAGA-3'
Protein context (NP_006260.1, residues 1798-1818): DELSSSELEE[Leu1808Pro]TQPLELKCNY

ClinVar aggregate classification (germline): Uncertain significance (1 of 4 stars; one submission).

Allele frequency attached by ClinVar (database versions not stated): ExAC 0.00001; gnomAD 0.00001; gnomAD exomes 0.00001; TOPMed 0.00001; ESP Exome Variant Server 0.00008.
gnomAD v4.1: 6 of 1,613,732 alleles (0.00037%); highest among the groups gnomAD compares: Admixed American, 0.0017%; no homozygotes.

Submission:

Labcorp Genetics (formerly Invitae), Labcorp
Classification: Uncertain significance. Last evaluated: 2022-11-21. Review status: criteria provided, single submitter. Criteria: Invitae Variant Classification Sherloc (09022015). Collection method: clinical testing. Allele origin: germline.
Comment: This sequence change replaces leucine, which is neutral and non-polar, with proline, which is neutral and non-polar, at codon 1808 of the RP1 protein (p.Leu1808Pro). This variant is present in population databases (rs371969576, gnomAD 0.0009%). This missense change has been observed in individual(s) with retinitis pigmentosa (PMID: 10484783). ClinVar contains an entry for this variant (Variation ID: 1449975). Algorithms developed to predict the effect of missense changes on protein structure and function are either unavailable or do not agree on the potential impact of this missense change (SIFT: "Deleterious"; PolyPhen-2: "Probably Damaging"; Align-GVGD: "Class C0"). In summary, the available evidence is currently insufficient to determine the role of this variant in disease. Therefore, it has been classified as a Variant of Uncertain Significance.

Literature cited by the submitters: PubMed 10484783.